The following is an entry in ClinVar:

ClinVar aggregate classification (germline): Benign. Review status: criteria provided, multiple submitters, no conflicts (2 of 4 stars). 7 submissions from 7 submitters: Benign (3). 4 of the submissions do not count toward it. Last evaluated 2026-02-03.

Conditions:
Catecholaminergic polymorphic ventricular tachycardia 1. Also called: RYR2-Related Catecholaminergic Polymorphic Ventricular Tachycardia; VENTRICULAR TACHYCARDIA, STRESS-INDUCED POLYMORPHIC 1; VENTRICULAR TACHYCARDIA, CATECHOLAMINERGIC POLYMORPHIC, 1, WITH OR WITHOUT ATRIAL DYSFUNCTION AND/OR DILATED CARDIOMYOPATHY. Identifiers: Orphanet 3286, MedGen C1631597, MONDO:0011484, OMIM 604772.

Allele frequency attached by ClinVar (database versions not stated): ESP Exome Variant Server 0.00008; gnomAD 0.00028 and 0.00146; TOPMed 0.00041; gnomAD exomes 0.00397; ExAC 0.00503; 1000 Genomes Project 0.00998; 1000 Genomes Project 30x 0.01015.
gnomAD v4.1: 2,716 of 1,531,940 alleles (0.18%); highest among the groups gnomAD compares: South Asian, 2.7%; 65 homozygotes.

Submissions (7):

Labcorp Genetics (formerly Invitae), Labcorp
Classification: Benign for Catecholaminergic polymorphic ventricular tachycardia 1. Last evaluated: 2026-02-03. Review status: criteria provided, single submitter. Criteria: Invitae Variant Classification Sherloc (09022015). Collection method: clinical testing. Allele origin: germline.

Women's Health and Genetics/Laboratory Corporation of America, LabCorp
Classification: Benign. Last evaluated: 2019-11-18. Review status: criteria provided, single submitter. Criteria: LabCorp Variant Classification Summary - May 2015. Collection method: clinical testing. Allele origin: germline.
Comment: Variant summary: RYR2 c.14809-20C>T alters a non-conserved nucleotide located close to a canonical splice site and therefore could affect mRNA splicing, leading to a significantly altered protein sequence. 4/4 computational tools predict no significant impact on normal splicing. However, these predictions have yet to be confirmed by functional studies. The variant allele was found at a frequency of 0.004 in 241304 control chromosomes in the gnomAD database, including 20 homozygotes. The observed variant frequency is approximately 66 fold of the estimated maximal expected allele frequency for a pathogenic variant in RYR2 causing Arrhythmia phenotype (6e-05), strongly suggesting that the variant is benign. No clinical diagnostic laboratories have submitted clinical-significance assessments for this variant to ClinVar after 2014. Based on the evidence outlined above, the variant was classified as benign.

GeneDx
Classification: Benign. Last evaluated: 2013-11-22. Review status: criteria provided, single submitter. Criteria: GeneDx Variant Classification (06012015). Collection method: clinical testing. Allele origin: germline. Affected: yes.
Comment: This variant is considered likely benign or benign based on one or more of the following criteria: it is a conservative change, it occurs at a poorly conserved position in the protein, it is predicted to be benign by multiple in silico algorithms, and/or has population frequency not consistent with disease.

Clinical Genetics DNA and cytogenetics Diagnostics Lab, Erasmus MC, Erasmus Medical Center
Classification: Likely benign. Review status: no assertion criteria provided. Collection method: clinical testing. Allele origin: germline. Affected: yes. Study: VKGL Data-share Consensus. Not counted in ClinVar's aggregate classification.

Clinical Genetics, Academic Medical Center
Classification: Benign. Review status: no assertion criteria provided. Collection method: clinical testing. Allele origin: germline. Affected: yes. Study: VKGL Data-share Consensus. Not counted in ClinVar's aggregate classification.

Diagnostic Laboratory, Department of Genetics, University Medical Center Groningen
Classification: Likely benign. Review status: no assertion criteria provided. Collection method: clinical testing. Allele origin: germline. Affected: yes. Study: VKGL Data-share Consensus. Not counted in ClinVar's aggregate classification.

Joint Genome Diagnostic Labs from Nijmegen and Maastricht, Radboudumc and MUMC+
Classification: Benign. Review status: no assertion criteria provided. Collection method: clinical testing. Allele origin: germline. Affected: yes. Study: VKGL Data-share Consensus. Not counted in ClinVar's aggregate classification.

NM_001035.3(RYR2):c.14809-20C>T

Gene: RYR2 (ryanodine receptor 2; plus strand). Cytogenetic location: 1q43.
Variant type: single nucleotide variant.
Coding change: c.14809-20C>T on transcript NM_001035.3 (MANE Select); 20 bases into the intron before coding-DNA position 14809, C replaced by T.
Molecular consequence: intron variant.
Genome position (GRCh38, 1-based): chr1:237,832,532, C>T. VCF-style: chr1-237832532-C-T. GRCh37 (hg19) VCF-style: chr1-237995832-C-T.
Other names: c.14809-20C>T (LRG_402t1).
Identifiers: ClinVar variation 138957 (VCV000138957.19), dbSNP rs141119268, ClinGen allele CA008425.